The following is an entry in ClinVar:

NM_000660.7(TGFB1):c.873G>A (p.Lys291=)

Gene: TGFB1 (transforming growth factor beta 1; minus strand). Cytogenetic location: 19q13.2.
Variant type: single nucleotide variant.
Coding change: c.873G>A on transcript NM_000660.7 (MANE Select); coding-DNA position 873, G replaced by A.
Protein change: p.Lys291=; no amino-acid change (lysine 291 retained).
Molecular consequence: synonymous variant.
Genome position (GRCh38, 1-based): chr19:41,332,269, C>T on the plus strand (G>A on the coding strand, the complement: TGFB1 is on the minus strand). VCF-style: chr19-41332269-C-T. GRCh37 (hg19) VCF-style: chr19-41838174-C-T.
Other names: c.873G>A (NM_000660.6).
Identifiers: ClinVar variation 695154 (VCV000695154.13), dbSNP rs190566789, ClinGen allele CA9459958.

ClinVar aggregate classification (germline): Benign. Review status: criteria provided, single submitter (1 of 4 stars). 2 submissions from 2 submitters: Benign (1). 1 of the submissions does not count toward it. Last evaluated 2026-01-27.

Conditions:
TGFB1-related disorder. Also called: TGFB1-related condition.

Allele frequency attached by ClinVar (database versions not stated): ESP Exome Variant Server 0.00008; gnomAD 0.00086 and 0.00108; TOPMed 0.00120; ExAC 0.00223; gnomAD exomes 0.00245; 1000 Genomes Project 0.00639; 1000 Genomes Project 30x 0.00640.
gnomAD v4.1: 949 of 1,613,948 alleles (0.059%); highest among the groups gnomAD compares: East Asian, 1.6%; 30 homozygotes.

Submissions (2):

Labcorp Genetics (formerly Invitae), Labcorp
Classification: Benign. Last evaluated: 2026-01-27. Review status: criteria provided, single submitter. Criteria: Invitae Variant Classification Sherloc (09022015). Collection method: clinical testing. Allele origin: germline.

PreventionGenetics, part of Exact Sciences
Classification: Benign for TGFB1-related condition. Last evaluated: 2019-03-18. Review status: no assertion criteria provided. Collection method: clinical testing. Allele origin: germline. Not counted in ClinVar's aggregate classification.
Comment: This variant is classified as benign based on ACMG/AMP sequence variant interpretation guidelines (Richards et al. 2015 PMID: 25741868, with internal and published modifications).